The following is an entry in ClinVar:

ClinVar aggregate classification (germline): Pathogenic/Likely pathogenic. Review status: criteria provided, multiple submitters, no conflicts (2 of 4 stars). 2 submissions from 2 submitters: Pathogenic (1); Likely pathogenic (1). Last evaluated 2025-01-24.

Conditions:
Lamellar ichthyosis. Identifiers: Orphanet 313, MedGen C5848247, MONDO:0017778.
Congenital ichthyosis of skin. Identifiers: MedGen C0020758.

gnomAD v4.1: 7 of 1,614,164 alleles (0.00043%); highest among the groups gnomAD compares: Non-Finnish European, 0.00059%; no homozygotes.

Submissions (2):

Women's Health and Genetics/Laboratory Corporation of America, LabCorp
Classification: Pathogenic for Lamellar ichthyosis. Last evaluated: 2025-01-24. Review status: criteria provided, single submitter. Criteria: LabCorp Variant Classification Summary - May 2015. Collection method: clinical testing. Allele origin: germline.
Comment: Variant summary: SDR9C7 c.355G>A (p.Glu119Lys) results in a conservative amino acid change in the encoded protein sequence. Four of five in-silico tools predict a damaging effect of the variant on protein function. The variant allele was found at a frequency of 4e-06 in 251106 control chromosomes. c.355G>A has been reported in the literature in the homozygous state in multiple individuals affected with Ichthyosis and segregated with disease in at least one family (e.g. Youssefian_2019, Simpson_2020). These data indicate that the variant is very likely to be associated with disease. To our knowledge, no experimental evidence demonstrating an impact on protein function has been reported. The following publications have been ascertained in the context of this evaluation (PMID: 31168818, 30578701). ClinVar contains an entry for this variant (Variation ID: 633815). Based on the evidence outlined above, the variant was classified as pathogenic.

Uitto Lab, Thomas Jefferson University
Classification: Likely pathogenic for Congenital ichthyosis of skin. Last evaluated: 2018-06-08. Review status: criteria provided, single submitter. Criteria: ACMG Guidelines, 2015. Collection method: clinical testing. Allele origin: germline. Affected: yes. Study: Rare heritable connective tissue and skin disorders in Iranian cohort.

Literature cited by the submitters: PubMed 30578701 (cited by Women's Health and Genetics/Laboratory Corporation of America, LabCorp); PubMed 31168818 (cited by Women's Health and Genetics/Laboratory Corporation of America, LabCorp).

NM_148897.3(SDR9C7):c.355G>A (p.Glu119Lys)

Gene: SDR9C7 (short chain dehydrogenase/reductase family 9C member 7; minus strand). Cytogenetic location: 12q13.3.
Variant type: single nucleotide variant.
Coding change: c.355G>A on transcript NM_148897.3 (MANE Select); coding-DNA position 355, G replaced by A.
Protein change: p.Glu119Lys; replaces glutamic acid 119 with lysine.
Molecular consequence: missense variant.
Genome position (GRCh38, 1-based): chr12:56,930,431, C>T on the plus strand (G>A on the coding strand, the complement: SDR9C7 is on the minus strand). VCF-style: chr12-56930431-C-T. GRCh37 (hg19) VCF-style: chr12-57324215-C-T.
Other names: short protein forms E119K.
Identifiers: ClinVar variation 633815 (VCV000633815.3), dbSNP rs538068583, ClinGen allele CA385385524.
Genomic context (GRCh38, chr12:56,930,431, plus strand): 5'-CGATCAGTCCCACCAGGTTCACATTAATCACCTTCACAAAGTCATCCTTGGTCAGCCATT[C>T]GTTGGGACCACTGGGCAGGCCCACACCAGCATTGTTCACCAGGGCCCAGAGGCCTGGGGG-3'
Protein context (NP_683695.1, residues 109-129): AGVGLPSGPN[Glu119Lys]WLTKDDFVKV